The following is an entry in ClinVar:

NM_000489.6(ATRX):c.965C>G (p.Ser322Ter)

Gene: ATRX (ATRX chromatin remodeler; minus strand). Cytogenetic location: Xq21.1.
Variant type: single nucleotide variant.
Coding change: c.965C>G on transcript NM_000489.6 (MANE Select); coding-DNA position 965, C replaced by G.
Protein change: p.Ser322Ter; replaces serine 322 with a stop codon.
Molecular consequence: nonsense.
Genome position (GRCh38, 1-based): chrX:77,684,291, G>C on the plus strand (C>G on the coding strand, the complement: ATRX is on the minus strand). VCF-style: chrX-77684291-G-C. GRCh37 (hg19) VCF-style: chrX-76939783-G-C.
Other names: c.851C>G, p.Ser284Ter (NM_138270.5); short protein forms S284*, S322*.
Identifiers: ClinVar variation 3778771 (VCV003778771.1).

ClinVar aggregate classification (germline): Pathogenic (1 of 4 stars; one submission).

Conditions:
ATRX-related disorder. Also called: ATRX-related condition.

Submission:

Daryl Scott Lab, Baylor College of Medicine
Classification: Pathogenic for ATRX-related disorder. Last evaluated: 2024-04-01. Review status: criteria provided, single submitter. Criteria: ACMG Guidelines, 2015. Collection method: clinical testing. Allele origin: maternal. Observed: 1 heterozygote.
Comment: PVS1, PM2